The following is an entry in ClinVar:

ClinVar aggregate classification (germline): Benign/Likely benign. Review status: criteria provided, multiple submitters, no conflicts (2 of 4 stars). 2 submissions from 2 submitters: Benign (1); Likely benign (1). Last evaluated 2026-09-01.

Allele frequency attached by ClinVar (database versions not stated): 1000 Genomes Project 0.00359; ExAC 0.00461; ESP Exome Variant Server 0.00484; gnomAD 0.00492 and 0.00498; gnomAD exomes 0.00499; TOPMed 0.00536; 1000 Genomes Project 30x 0.00328.
gnomAD v4.1: 10,400 of 1,614,142 alleles (0.64%); highest among the groups gnomAD compares: Non-Finnish European, 0.77%; 48 homozygotes.

Submissions (2):

CeGaT Center for Human Genetics Tuebingen
Classification: Likely benign. Last evaluated: 2026-09-01. Review status: criteria provided, single submitter. Criteria: CeGaT Center For Human Genetics Tuebingen Variant Classification Criteria Version 2. Collection method: clinical testing. Allele origin: germline. Affected: yes. Observed: 9 variant alleles.
Comment: PLCH1: BP4, BP7, BS2

Labcorp Genetics (formerly Invitae), Labcorp
Classification: Benign. Last evaluated: 2018-06-06. Review status: criteria provided, single submitter. Criteria: Invitae Variant Classification Sherloc (09022015). Collection method: clinical testing. Allele origin: germline.

NM_014996.4(PLCH1):c.3354C>T (p.Ser1118=)

Gene: PLCH1 (phospholipase C eta 1; minus strand). Cytogenetic location: 3q25.31.
Variant type: single nucleotide variant.
Coding change: c.3354C>T on transcript NM_014996.4 (MANE Select); coding-DNA position 3354, C replaced by T.
Protein change: p.Ser1118=; no amino-acid change (serine 1118 retained).
Molecular consequence: synonymous variant. On other transcripts: 3 prime UTR variant (3).
Genome position (GRCh38, 1-based): chr3:155,482,672, G>A on the plus strand (C>T on the coding strand, the complement: PLCH1 is on the minus strand). VCF-style: chr3-155482672-G-A. GRCh37 (hg19) VCF-style: chr3-155200461-G-A.
Other names: c.3378C>T, p.Ser1126= (NM_001130960.2); c.*397C>T (NM_001130961.2); c.*394C>T (NM_001349250.2, NM_001349252.2); c.3351C>T, p.Ser1117= (NM_001349251.2).
Identifiers: ClinVar variation 774172 (VCV000774172.25), dbSNP rs142805530, ClinGen allele CA2676126.
Genomic context (GRCh38, chr3:155,482,672, plus strand): 5'-TCGGCCCTTACCCCTATTACCTTCCAGGTTCTTAATTTCTAGGTTGCTATGAGAAAGGAC[G>A]CTTCCTGACAAGATGCTTTTCCCTTCCACAAAGTCCTCAGGATTACCCTTTTCCTTGATT-3'
Protein context (NP_055811.2, residues 1108-1128): FVEGKSILSG[Ser1118=]VLSHSNLEIK